The following is an entry in ClinVar:

NM_032578.4(MYPN):c.3138C>T (p.Thr1046=)

Gene: MYPN (myopalladin; plus strand). Cytogenetic location: 10q21.3.
Variant type: single nucleotide variant.
Coding change: c.3138C>T on transcript NM_032578.4 (MANE Select); coding-DNA position 3138, C replaced by T.
Protein change: p.Thr1046=; no amino-acid change (threonine 1046 retained).
Molecular consequence: synonymous variant. On other transcripts: non-coding transcript variant (2).
Genome position (GRCh38, 1-based): chr10:68,195,512, C>T. VCF-style: chr10-68195512-C-T. GRCh37 (hg19) VCF-style: chr10-69955269-C-T.
Other names: c.3138C>T, p.Thr1046= (NM_001256267.2); c.2256C>T, p.Thr752= (NM_001256268.2); c.3138C>T (NM_032578.3).
Identifiers: ClinVar variation 1549220 (VCV001549220.9), dbSNP rs2043589814, ClinGen allele CA469812172.
Genomic context (GRCh38, chr10:68,195,512, plus strand): 5'-GAGAATCAGCTGTTCTGGCCACTTGATGGTACAAAGTTTGCCCATTCGCAGTCGGCTAAC[C>T]TCTGCTGGTCAGTCTCACAGGTAAAGACAGTAAGAATTCCCCCTCTCTAGGCCCTTCCCA-3'
Protein context (NP_115967.2, residues 1036-1056): VQSLPIRSRL[Thr1046=]SAGQSHRGRS

ClinVar aggregate classification (germline): Likely benign. Review status: criteria provided, multiple submitters, no conflicts (2 of 4 stars). 2 submissions from 2 submitters: Likely benign (2). Last evaluated 2026-01-12.

Conditions:
Dilated cardiomyopathy 1KK (CMD1KK). Identifiers: Orphanet 154, Orphanet 75249, MedGen C3714995, MONDO:0014100, OMIM 615248.
MYPN-related disorder. Also called: MYPN-related condition.

Allele frequency attached by ClinVar (database versions not stated): gnomAD exomes 0.00001; TOPMed 0.00001.
gnomAD v4.1: 14 of 1,613,990 alleles (0.00087%); highest among the groups gnomAD compares: African/African-American, 0.0013%; no homozygotes.

Submissions (2):

Labcorp Genetics (formerly Invitae), Labcorp
Classification: Likely benign for Dilated cardiomyopathy 1KK. Last evaluated: 2026-01-12. Review status: criteria provided, single submitter. Criteria: Invitae Variant Classification Sherloc (09022015). Collection method: clinical testing. Allele origin: germline.

PreventionGenetics, part of Exact Sciences
Classification: Likely benign for MYPN-related condition. Last evaluated: 2025-10-07. Review status: criteria provided, single submitter. Criteria: ACMG Guidelines, 2015. Collection method: clinical testing. Allele origin: germline.
Comment: This variant is classified as likely benign based on ACMG/AMP sequence variant interpretation guidelines (Richards et al. 2015 PMID: 25741868, with internal and published modifications).